The following is an entry in ClinVar:

ClinVar aggregate classification (germline): Uncertain significance. Review status: criteria provided, multiple submitters, no conflicts (2 of 4 stars). 2 submissions from 2 submitters: Uncertain significance (2). Last evaluated 2025-08-11.

Allele frequency attached by ClinVar (database versions not stated): ExAC 0.00002; gnomAD 0.00005; ESP Exome Variant Server 0.00015; TOPMed 0.00006.
gnomAD v4.1: 46 of 1,608,538 alleles (0.0029%); highest among the groups gnomAD compares: African/African-American, 0.015%; no homozygotes.

Submissions (2):

GeneDx
Classification: Uncertain significance. Last evaluated: 2025-08-11. Review status: criteria provided, single submitter. Criteria: GeneDx Variant Classification Process June 2021. Collection method: clinical testing. Allele origin: germline. Affected: yes.
Comment: In silico analysis suggests that this missense variant does not alter protein structure/function; Has not been previously published as pathogenic or benign to our knowledge

Ambry Genetics
Classification: Uncertain significance. Last evaluated: 2023-03-29. Review status: criteria provided, single submitter. Criteria: Ambry Variant Classification Scheme 2023. Collection method: clinical testing. Allele origin: germline.

NM_001004320.2(AGMO):c.248G>A (p.Arg83Gln)

Gene: AGMO (alkylglycerol monooxygenase; minus strand). Cytogenetic location: 7p21.2.
Variant type: single nucleotide variant.
Coding change: c.248G>A on transcript NM_001004320.2 (MANE Select); coding-DNA position 248, G replaced by A.
Protein change: p.Arg83Gln; replaces arginine 83 with glutamine.
Molecular consequence: missense variant.
Genome position (GRCh38, 1-based): chr7:15,560,150, C>T on the plus strand (G>A on the coding strand, the complement: AGMO is on the minus strand). VCF-style: chr7-15560150-C-T. GRCh37 (hg19) VCF-style: chr7-15599775-C-T.
Other names: short protein forms R83Q.
Identifiers: ClinVar variation 2531396 (VCV002531396.3), dbSNP rs373631505, ClinGen allele CA4168878.
Genomic context (GRCh38, chr7:15,560,150, plus strand): 5'-ACTTAGGCAATTTCAGTTTTTATGCTCAGCGTTGTTGACCATCTAACTCACCTTGGAAGT[C>T]GAGACAGAACACCAGCTGAGATTGACGTTAAAGCATCATCCAGGCGACCTGGTGGCTTTC-3'
Protein context (NP_001004320.1, residues 73-93): LTSISAGVLS[Arg83Gln]LPSLFFRSIE